The following is an entry in ClinVar:

NM_001429.4(EP300):c.7177C>G (p.Leu2393Val)

Gene: EP300 (EP300 lysine acetyltransferase; plus strand). Cytogenetic location: 22q13.2.
Variant type: single nucleotide variant.
Coding change: c.7177C>G on transcript NM_001429.4 (MANE Select); coding-DNA position 7177, C replaced by G.
Protein change: p.Leu2393Val; replaces leucine 2393 with valine.
Molecular consequence: missense variant.
Genome position (GRCh38, 1-based): chr22:41,178,888, C>G. VCF-style: chr22-41178888-C-G. GRCh37 (hg19) VCF-style: chr22-41574892-C-G.
Other names: c.7177C>G (NM_001429.3); c.7099C>G, p.Leu2367Val (NM_001362843.2); short protein forms L2367V, L2393V.
Identifiers: ClinVar variation 1145375 (VCV001145375.37), dbSNP rs377508897, ClinGen allele CA10254053.
Genomic context (GRCh38, chr22:41,178,888, plus strand): 5'-CTTTCTCAGCTTGCTAGCAATCCAGGCATGGCAAACCTCCATGGTGCAAGCGCCACGGAC[C>G]TGGGACTCAGCACCGATAACTCAGACTTGAATTCAAACCTCTCACAGAGTACACTAGACA-3'
Protein context (NP_001420.2, residues 2383-2403): ANLHGASATD[Leu2393Val]GLSTDNSDLN

ClinVar aggregate classification (germline): Likely benign. Review status: criteria provided, multiple submitters, no conflicts (2 of 4 stars). 5 submissions from 5 submitters: Likely benign (4). 1 of the submissions does not count toward it. Last evaluated 2025-08-04.

Conditions:
Rubinstein-Taybi syndrome due to EP300 haploinsufficiency. Also called: RUBINSTEIN-TAYBI SYNDROME 2; EP300-Related Rubinstein-Taybi Syndrome. Identifiers: Orphanet 353284, Orphanet 783, MedGen C3150941, MONDO:0013364, OMIM 613684.
Rubinstein-Taybi syndrome due to CREBBP mutations (RSTS1). Also called: RUBINSTEIN-TAYBI SYNDROME 1, INCOMPLETE; BROAD THUMB-HALLUX SYNDROME; Rubinstein-Taybi syndrome 1; BROAD THUMBS AND GREAT TOES, CHARACTERISTIC FACIES, AND IMPAIRED INTELLECTUAL DEVELOPMENT; CREBBP-Related Rubinstein-Taybi Syndrome; RUBINSTEIN SYNDROME. Identifiers: Orphanet 353277, Orphanet 783, MedGen C4551859, MONDO:0008393, OMIM 180849.
Menke-Hennekam syndrome 2 (MKHK2). Identifiers: MedGen C5193035, MONDO:0020769, OMIM 618333.
Colorectal cancer. Also called: Malignant Colorectal Neoplasm; Colorectal cancer, somatic. Identifiers: MedGen C0346629, MONDO:0005575, OMIM 114500.
EP300-related disorder. Also called: EP300-related disorders; EP300-related condition.

Allele frequency attached by ClinVar (database versions not stated): ESP Exome Variant Server 0.00008; TOPMed 0.00013; gnomAD 0.00017 and 0.00018.
gnomAD v4.1: 272 of 1,614,080 alleles (0.017%); highest among the groups gnomAD compares: Non-Finnish European, 0.022%; no homozygotes.

Submissions (5):

Labcorp Genetics (formerly Invitae), Labcorp
Classification: Likely benign for Rubinstein-Taybi syndrome due to EP300 haploinsufficiency. Last evaluated: 2025-08-04. Review status: criteria provided, single submitter. Criteria: Invitae Variant Classification Sherloc (09022015). Collection method: clinical testing. Allele origin: germline.

Blueprint Genetics
Classification: Likely benign. Last evaluated: 2024-07-09. Review status: criteria provided, single submitter. Criteria: ACMG Guidelines, 2015. Collection method: clinical testing. Allele origin: germline.

CeGaT Center for Human Genetics Tuebingen
Classification: Likely benign. Last evaluated: 2023-09-01. Review status: criteria provided, single submitter. Criteria: CeGaT Center For Human Genetics Tuebingen Variant Classification Criteria Version 2. Collection method: clinical testing. Allele origin: germline. Affected: yes. Observed: 1 variant allele.
Comment: EP300: BS1

Department of Pathology and Laboratory Medicine, Sinai Health System
Classification: Likely benign for Colorectal cancer; Rubinstein-Taybi syndrome due to CREBBP mutations; Rubinstein-Taybi syndrome due to EP300 haploinsufficiency; Menke-Hennekam syndrome 2. Last evaluated: 2021-07-30. Review status: criteria provided, single submitter. Criteria: ACMG Guidelines, 2015. Collection method: research. Allele origin: germline.

PreventionGenetics, part of Exact Sciences
Classification: Likely benign for EP300-related condition. Last evaluated: 2021-07-26. Review status: no assertion criteria provided. Collection method: clinical testing. Allele origin: germline. Not counted in ClinVar's aggregate classification.
Comment: This variant is classified as likely benign based on ACMG/AMP sequence variant interpretation guidelines (Richards et al. 2015 PMID: 25741868, with internal and published modifications).